The following is an entry in ClinVar:

ClinVar aggregate classification (germline): Likely benign. Review status: criteria provided, multiple submitters, no conflicts (2 of 4 stars). 3 submissions from 3 submitters: Likely benign (3). Last evaluated 2026-02-03.

Allele frequency attached by ClinVar (database versions not stated): gnomAD exomes below 0.00001 and 0.00001; gnomAD 0.00001; TOPMed 0.00001; ExAC 0.00002.
gnomAD v4.1: 39 of 1,614,148 alleles (0.0024%); highest among the groups gnomAD compares: East Asian, 0.0067%; 3 homozygotes.

Submissions (3):

Labcorp Genetics (formerly Invitae), Labcorp
Classification: Likely benign. Last evaluated: 2026-02-03. Review status: criteria provided, single submitter. Criteria: Invitae Variant Classification Sherloc (09022015). Collection method: clinical testing. Allele origin: germline.

Mayo Clinic Laboratories, Mayo Clinic
Classification: Likely benign. Last evaluated: 2025-05-06. Review status: criteria provided, single submitter. Criteria: ACMG Guidelines, 2015. Collection method: clinical testing. Allele origin: germline. Observed: 1 variant allele.
Comment: BP4, BP7

Blueprint Genetics
Classification: Likely benign. Last evaluated: 2024-11-05. Review status: criteria provided, single submitter. Criteria: ACMG Guidelines, 2015. Collection method: clinical testing. Allele origin: germline.

NM_012062.5(DNM1L):c.1269T>A (p.Arg423=)

Gene: DNM1L (dynamin 1L; plus strand). Cytogenetic location: 12p11.21.
Variant type: single nucleotide variant.
Coding change: c.1269T>A on transcript NM_012062.5 (MANE Select); coding-DNA position 1269, T replaced by A.
Protein change: p.Arg423=; no amino-acid change (arginine 423 retained).
Molecular consequence: synonymous variant.
Genome position (GRCh38, 1-based): chr12:32,731,424, T>A. VCF-style: chr12-32731424-T-A. GRCh37 (hg19) VCF-style: chr12-32884358-T-A.
Other names: p.Arg423=; c.1269T>A, p.Arg423= (NM_001278463.2, NM_005690.5, NM_012063.4); c.1308T>A, p.Arg436= (NM_001278464.2, NM_001278465.2, NM_001330380.2); c.660T>A, p.Arg220= (NM_001278466.2).
Identifiers: ClinVar variation 308389 (VCV000308389.11), dbSNP rs370444077, ClinGen allele CA6507497.